The following is an entry in ClinVar:

ClinVar aggregate classification (germline): Uncertain significance. Review status: criteria provided, multiple submitters, no conflicts (2 of 4 stars). 4 submissions from 4 submitters: Uncertain significance (4). Last evaluated 2024-10-16.

Conditions:
Emery-Dreifuss muscular dystrophy 5, autosomal dominant (EDMD5). Also called: EMERY-DREIFUSS MUSCULAR DYSTROPHY 5. Identifiers: Orphanet 261, MedGen C2751805, MONDO:0013072, OMIM 612999.

Allele frequency attached by ClinVar (database versions not stated): gnomAD 0.00001; TOPMed 0.00001; gnomAD exomes 0.00002 and 0.00004; ExAC 0.00003.
gnomAD v4.1: 61 of 1,614,104 alleles (0.0038%); highest among the groups gnomAD compares: Non-Finnish European, 0.0047%; no homozygotes.

Submissions (4):

Ambry Genetics
Classification: Uncertain significance. Last evaluated: 2024-10-16. Review status: criteria provided, single submitter. Criteria: Ambry Variant Classification Scheme 2023. Collection method: clinical testing. Allele origin: germline.

Revvity Omics, Revvity
Classification: Uncertain significance for Emery-Dreifuss muscular dystrophy 5, autosomal dominant. Last evaluated: 2019-12-03. Review status: criteria provided, single submitter. Criteria: ACMG Guidelines, 2015. Collection method: clinical testing. Allele origin: germline.

Labcorp Genetics (formerly Invitae), Labcorp
Classification: Uncertain significance for Emery-Dreifuss muscular dystrophy 5, autosomal dominant. Last evaluated: 2018-07-10. Review status: criteria provided, single submitter. Criteria: Invitae Variant Classification Sherloc (09022015). Collection method: clinical testing. Allele origin: germline.
Comment: In summary, the available evidence is currently insufficient to determine the role of this variant in disease. Therefore, it has been classified as a Variant of Uncertain Significance. Algorithms developed to predict the effect of missense changes on protein structure and function (SIFT, PolyPhen-2, Align-GVGD) all suggest that this variant is likely to be tolerated, but these predictions have not been confirmed by published functional studies and their clinical significance is uncertain. This variant has not been reported in the literature in individuals with SYNE2-related disease. ClinVar contains an entry for this variant (Variation ID: 283216). This variant is present in population databases (rs765407182, ExAC 0.006%). This sequence change replaces asparagine with serine at codon 2806 of the SYNE2 protein (p.Asn2806Ser). The asparagine residue is weakly conserved and there is a small physicochemical difference between asparagine and serine.

Eurofins Ntd Llc (ga)
Classification: Uncertain significance. Last evaluated: 2015-10-06. Review status: criteria provided, single submitter. Criteria: EGL Classification Definitions 2015. Collection method: clinical testing. Allele origin: germline. Observed: 1 variant allele, 1 heterozygote.

NM_182914.3(SYNE2):c.8417A>G (p.Asn2806Ser)

Gene: SYNE2 (spectrin repeat containing nuclear envelope protein 2; plus strand). Cytogenetic location: 14q23.2.
Variant type: single nucleotide variant.
Coding change: c.8417A>G on transcript NM_182914.3 (MANE Select); coding-DNA position 8417, A replaced by G.
Protein change: p.Asn2806Ser; replaces asparagine 2806 with serine.
Molecular consequence: missense variant.
Genome position (GRCh38, 1-based): chr14:64,052,330, A>G. VCF-style: chr14-64052330-A-G. GRCh37 (hg19) VCF-style: chr14-64519048-A-G.
Other names: c.8417A>G, p.Asn2806Ser (NM_015180.6); short protein forms N2806S.
Identifiers: ClinVar variation 283216 (VCV000283216.17), dbSNP rs765407182, ClinGen allele CA7221105.
Genomic context (GRCh38, chr14:64,052,330, plus strand): 5'-CTGAAGAGGTCAAAGATAAGGTTCCTAGCCTTACAACCTATGAGGGCAGTGATTTAAATA[A>G]TACCCTAGAGGACTTACGGAATCAATACCAAATGCTGGTTTTAAAATCAACTCAAAGATC-3'
Protein context (NP_878918.2, residues 2796-2816): LTTYEGSDLN[Asn2806Ser]TLEDLRNQYQ